The following is an entry in ClinVar:

ClinVar aggregate classification (germline): Uncertain significance (1 of 4 stars; one submission).

Submission:

Labcorp Genetics (formerly Invitae), Labcorp
Classification: Uncertain significance. Last evaluated: 2022-03-13. Review status: criteria provided, single submitter. Criteria: Invitae Variant Classification Sherloc (09022015). Collection method: clinical testing. Allele origin: germline.
Comment: This sequence change replaces phenylalanine, which is neutral and non-polar, with cysteine, which is neutral and slightly polar, at codon 13 of the SBF1 protein (p.Phe13Cys). This variant is not present in population databases (gnomAD no frequency). This variant has not been reported in the literature in individuals affected with SBF1-related conditions. Algorithms developed to predict the effect of missense changes on protein structure and function are either unavailable or do not agree on the potential impact of this missense change (SIFT: "Deleterious"; PolyPhen-2: "Possibly Damaging"; Align-GVGD: "Class C0"). In summary, the available evidence is currently insufficient to determine the role of this variant in disease. Therefore, it has been classified as a Variant of Uncertain Significance.

NM_002972.4(SBF1):c.38T>G (p.Phe13Cys)

Gene: SBF1 (SET binding factor 1; minus strand). Cytogenetic location: 22q13.33.
Variant type: single nucleotide variant.
Coding change: c.38T>G on transcript NM_002972.4 (MANE Select); coding-DNA position 38, T replaced by G.
Protein change: p.Phe13Cys; replaces phenylalanine 13 with cysteine.
Molecular consequence: missense variant.
Genome position (GRCh38, 1-based): chr22:50,474,803, A>C on the plus strand (T>G on the coding strand, the complement: SBF1 is on the minus strand). VCF-style: chr22-50474803-A-C. GRCh37 (hg19) VCF-style: chr22-50913232-A-C.
Other names: c.38T>G, p.Phe13Cys (NM_001365819.1, NM_001410794.1, NM_001410795.1 and 1 more transcripts); short protein forms F13C.
Identifiers: ClinVar variation 2110942 (VCV002110942.4), dbSNP rs2522138285, ClinGen allele CA412225272.